The following is an entry in ClinVar:

ClinVar aggregate classification (germline): Conflicting classifications of pathogenicity. Review status: criteria provided, conflicting classifications (1 of 4 stars). 2 submissions from 2 submitters: Uncertain significance (1); Likely benign (1). Last evaluated 2025-02-24.

Conditions:
Rubinstein-Taybi syndrome (RSTS). Identifiers: Orphanet 783, MedGen C0035934, MONDO:0019188.

Submissions (2):

Labcorp Genetics (formerly Invitae), Labcorp
Classification: Uncertain significance for Rubinstein-Taybi syndrome. Last evaluated: 2025-02-24. Review status: criteria provided, single submitter. Criteria: Invitae Variant Classification Sherloc (09022015). Collection method: clinical testing. Allele origin: germline.
Comment: This variant, c.6633_6641del, results in the deletion of 3 amino acid(s) of the CREBBP protein (p.Gln2214_Gln2216del), but otherwise preserves the integrity of the reading frame. The frequency data for this variant in the population databases is considered unreliable, as metrics indicate poor data quality at this position in the gnomAD database. This variant has not been reported in the literature in individuals affected with CREBBP-related conditions. Experimental studies and prediction algorithms are not available or were not evaluated, and the functional significance of this variant is currently unknown. In summary, the available evidence is currently insufficient to determine the role of this variant in disease. Therefore, it has been classified as a Variant of Uncertain Significance.

GeneDx
Classification: Likely benign. Last evaluated: 2016-07-27. Review status: criteria provided, single submitter. Criteria: GeneDx Variant Classification (06012015). Collection method: clinical testing. Allele origin: germline. Affected: yes.
Comment: This variant is considered likely benign or benign based on one or more of the following criteria: it is a conservative change, it occurs at a poorly conserved position in the protein, it is predicted to be benign by multiple in silico algorithms, and/or has population frequency not consistent with disease.

NM_004380.3(CREBBP):c.6624ACAGCAGCA[1] (p.Gln2214_Gln2216del)

Gene: CREBBP (CREB binding lysine acetyltransferase; minus strand). Cytogenetic location: 16p13.3.
Variant type: Microsatellite.
Coding change: c.6624ACAGCAGCA[1] on transcript NM_004380.3 (MANE Select); one copy of the 9-base unit ACAGCAGCA starting at c.6624; the reference has two copies in a row; one copy, 9 bases deleted.
Protein change: p.Gln2214_Gln2216del.
Molecular consequence: inframe deletion.
Genome position (GRCh38, 1-based): chr16:3,728,406-3,728,414, TGCTGCTGT deleted on the plus strand (ACAGCAGCA on the coding strand, the reverse complement: CREBBP is on the minus strand); deleting any 9 consecutive bases within chr16:3,728,406-3,728,425 gives the same sequence; the position shown is the placement nearest the transcript's 3' end. VCF-style (leftmost placement, unchanged base first): chr16-3728405-CTGCTGCTGT-C. GRCh37 (hg19) VCF-style: chr16-3778406-CTGCTGCTGT-C.
Other names: c.6633_6641delACAGCAGCA (NM_004380.2); c.6510ACAGCAGCA[1], p.Gln2176_Gln2178del (NM_001079846.1).
Identifiers: ClinVar variation 421869 (VCV000421869.2), dbSNP rs746989288, ClinGen allele CA7869044.